The following is an entry in ClinVar:

ClinVar aggregate classification (germline): Likely benign (1 of 4 stars; one submission).

Submission:

GeneDx
Classification: Likely benign. Last evaluated: 2017-11-17. Review status: criteria provided, single submitter. Criteria: GeneDx Variant Classification (06012015). Collection method: clinical testing. Allele origin: germline. Affected: yes.
Comment: This variant is considered likely benign or benign based on one or more of the following criteria: it is a conservative change, it occurs at a poorly conserved position in the protein, it is predicted to be benign by multiple in silico algorithms, and/or has population frequency not consistent with disease.

NM_001848.3(COL6A1):c.760-11C>T

Gene: COL6A1 (collagen type VI alpha 1 chain; plus strand). Cytogenetic location: 21q22.3.
Variant type: single nucleotide variant.
Coding change: c.760-11C>T on transcript NM_001848.3 (MANE Select); 11 bases into the intron before coding-DNA position 760, C replaced by T.
Molecular consequence: intron variant.
Genome position (GRCh38, 1-based): chr21:45,987,599, C>T. VCF-style: chr21-45987599-C-T. GRCh37 (hg19) VCF-style: chr21-47407513-C-T.
Identifiers: ClinVar variation 513450 (VCV000513450.1), dbSNP rs1556425140, ClinGen allele CA658799467.
Genomic context (GRCh38, chr21:45,987,599, plus strand): 5'-CCTGACCCCGCGCCCTGCACCCTGGGAACCTGAGTCTGGGGTCCTGGCTGACCGTCCCCT[C>T]TGCCTTGCAGCCTGCAAGAGGACCTCCGGGGCTCCGGGGCGACCCCGGCTTTGAGGTGAG-3'